The following is an entry in ClinVar:

NM_006393.3(NEBL):c.2718C>A (p.Ser906Arg)

Gene: NEBL (nebulette; minus strand). Cytogenetic location: 10p12.31.
Variant type: single nucleotide variant.
Coding change: c.2718C>A on transcript NM_006393.3 (MANE Select); coding-DNA position 2718, C replaced by A.
Protein change: p.Ser906Arg; replaces serine 906 with arginine.
Molecular consequence: missense variant. On other transcripts: intron variant (9).
Genome position (GRCh38, 1-based): chr10:20,808,553, G>T on the plus strand (C>A on the coding strand, the complement: NEBL is on the minus strand). VCF-style: chr10-20808553-G-T. GRCh37 (hg19) VCF-style: chr10-21097482-G-T.
Other names: c.421+4216C>A (NM_001377326.1, NM_001377327.1, NM_001377328.1); c.529+4216C>A (NM_213569.2, NM_001173484.2); c.622+1253C>A (NM_001377322.1); c.472+4216C>A (NM_001377324.1); c.463+4216C>A (NM_001377325.1); c.481+4216C>A (NM_001377323.1); short protein forms S906R.
Identifiers: ClinVar variation 373498 (VCV000373498.8), dbSNP rs768402237, ClinGen allele CA5432354.

ClinVar aggregate classification (germline): Uncertain significance. Review status: criteria provided, multiple submitters, no conflicts (2 of 4 stars). 3 submissions from 3 submitters: Uncertain significance (3). Last evaluated 2025-12-31.

Conditions:
Primary dilated cardiomyopathy (DCM). Also called: Dilated Cardiomyopathy. Identifiers: Orphanet 217604, MedGen C0007193, MeSH D002311, MONDO:0005021, HP:0001644. Inheritance: Various modes of inheritance.

Allele frequency attached by ClinVar (database versions not stated): gnomAD exomes below 0.00001; gnomAD 0.00003 and 0.00004; TOPMed 0.00003.
gnomAD v4.1: 8 of 1,613,802 alleles (0.0005%); highest among the groups gnomAD compares: African/African-American, 0.011%; no homozygotes.

Submissions (3):

Labcorp Genetics (formerly Invitae), Labcorp
Classification: Uncertain significance for Primary dilated cardiomyopathy. Last evaluated: 2025-12-31. Review status: criteria provided, single submitter. Criteria: Invitae Variant Classification Sherloc (09022015). Collection method: clinical testing. Allele origin: germline.
Comment: This sequence change replaces serine, which is neutral and polar, with arginine, which is basic and polar, at codon 906 of the NEBL protein (p.Ser906Arg). This variant is present in population databases (rs768402237, gnomAD 0.02%). This variant has not been reported in the literature in individuals affected with NEBL-related conditions. ClinVar contains an entry for this variant (Variation ID: 373498). An algorithm developed to predict the effect of missense changes on protein structure and function (PolyPhen-2) suggests that this variant is likely to be tolerated. In summary, the available evidence is currently insufficient to determine the role of this variant in disease. Therefore, it has been classified as a Variant of Uncertain Significance.

Ambry Genetics
Classification: Uncertain significance. Last evaluated: 2021-11-29. Review status: criteria provided, single submitter. Criteria: Ambry Variant Classification Scheme 2023. Collection method: clinical testing. Allele origin: germline.
Comment: The p.S906R variant (also known as c.2718C>A), located in coding exon 26 of the NEBL gene, results from a C to A substitution at nucleotide position 2718. The serine at codon 906 is replaced by arginine, an amino acid with dissimilar properties. This amino acid position is conserved. In addition, this alteration is predicted to be tolerated by in silico analysis. Since supporting evidence is limited at this time, the clinical significance of this alteration remains unclear.

GeneDx
Classification: Uncertain significance. Last evaluated: 2016-11-28. Review status: criteria provided, single submitter. Criteria: GeneDx Variant Classification (06012015). Collection method: clinical testing. Allele origin: germline. Affected: yes.
Comment: A variant of uncertain significance has been identified in the NEBL gene. The S906R variant has not been published as a pathogenic variant, nor has it been reported as a benign variant to our knowledge. This variant was not observed in approximately 6,500 individuals of European and African American ancestry in the NHLBI Exome Sequencing Project, indicating it is not a common benign variant in these populations. The S906R variant is a semi-conservative amino acid substitution, which may impact secondary protein structure as these residues differ in some properties. However, this substitution occurs at a position where amino acids with similar properties to Serine are tolerated across species and in silico analysis is inconsistent in its predictions as to whether or not the variant is damaging to the protein structure/function.Therefore, based on the currently available information, it is unclear whether this variant is pathogenic or rare benign. This result cannot be interpreted for diagnosis or used for family member screening at this time.